The following is an entry in ClinVar:

NM_018847.4(KLHL9):c.1177C>T (p.His393Tyr)

Gene: KLHL9 (kelch like family member 9; minus strand). Cytogenetic location: 9p21.3.
Variant type: single nucleotide variant.
Coding change: c.1177C>T on transcript NM_018847.4 (MANE Select); coding-DNA position 1177, C replaced by T.
Protein change: p.His393Tyr; replaces histidine 393 with tyrosine.
Molecular consequence: missense variant.
Genome position (GRCh38, 1-based): chr9:21,333,683, G>A on the plus strand (C>T on the coding strand, the complement: KLHL9 is on the minus strand). VCF-style: chr9-21333683-G-A. GRCh37 (hg19) VCF-style: chr9-21333682-G-A.
Other names: short protein forms H393Y.
Identifiers: ClinVar variation 2045965 (VCV002045965.4), dbSNP rs772072891, ClinGen allele CA5010539.

ClinVar aggregate classification (germline): Uncertain significance (1 of 4 stars; one submission).

Allele frequency attached by ClinVar (database versions not stated): ExAC 0.00001; gnomAD exomes 0.00001.
gnomAD v4.1: 3 of 1,614,216 alleles (0.00019%); highest among the groups gnomAD compares: East Asian, 0.0067%; no homozygotes.

Submission:

Labcorp Genetics (formerly Invitae), Labcorp
Classification: Uncertain significance. Last evaluated: 2023-02-09. Review status: criteria provided, single submitter. Criteria: Invitae Variant Classification Sherloc (09022015). Collection method: clinical testing. Allele origin: germline.
Comment: This sequence change replaces histidine, which is basic and polar, with tyrosine, which is neutral and polar, at codon 393 of the KLHL9 protein (p.His393Tyr). This variant is present in population databases (rs772072891, gnomAD 0.02%). This variant has not been reported in the literature in individuals affected with KLHL9-related conditions. Advanced modeling of protein sequence and biophysical properties (such as structural, functional, and spatial information, amino acid conservation, physicochemical variation, residue mobility, and thermodynamic stability) performed at Invitae indicates that this missense variant is not expected to disrupt KLHL9 protein function. In summary, the available evidence is currently insufficient to determine the role of this variant in disease. Therefore, it has been classified as a Variant of Uncertain Significance.